The following is an entry in ClinVar:

NM_022168.4(IFIH1):c.2199G>A (p.Ala733=)

Gene: IFIH1 (interferon induced with helicase C domain 1; minus strand). Cytogenetic location: 2q24.2.
Variant type: single nucleotide variant.
Coding change: c.2199G>A on transcript NM_022168.4 (MANE Select); coding-DNA position 2199, G replaced by A.
Protein change: p.Ala733=; no amino-acid change (alanine 733 retained).
Molecular consequence: synonymous variant.
Genome position (GRCh38, 1-based): chr2:162,276,792, C>T on the plus strand (G>A on the coding strand, the complement: IFIH1 is on the minus strand). VCF-style: chr2-162276792-C-T. GRCh37 (hg19) VCF-style: chr2-163133302-C-T.
Identifiers: ClinVar variation 783228 (VCV000783228.10), dbSNP rs370474318, ClinGen allele CA1934267.

ClinVar aggregate classification (germline): Likely benign. Review status: criteria provided, multiple submitters, no conflicts (2 of 4 stars). 2 submissions from 2 submitters: Likely benign (2). Last evaluated 2026-04-01.

Conditions:
Singleton-Merten syndrome 1 (SGMRT1). Also called: Widened medullary cavities of bone, aortic calcification, abnormal dentition, and muscular weakness; Syndrome of widened medullary cavities of the metacarpals and phalanges, aortic calcification and abnormal dentition. Identifiers: Orphanet 85191, MedGen C4225427, MONDO:0024535, OMIM 182250.
Aicardi-Goutieres syndrome 7 (AGS7). Identifiers: Orphanet 51, MedGen C3888244, MONDO:0014367, OMIM 615846.

Allele frequency attached by ClinVar (database versions not stated): gnomAD exomes 0.00001; ExAC 0.00002; TOPMed 0.00002; gnomAD 0.00003; ESP Exome Variant Server 0.00008.
gnomAD v4.1: 20 of 1,613,850 alleles (0.0012%); highest among the groups gnomAD compares: South Asian, 0.0022%; no homozygotes.

Submissions (2):

CeGaT Center for Human Genetics Tuebingen
Classification: Likely benign. Last evaluated: 2026-04-01. Review status: criteria provided, single submitter. Criteria: CeGaT Center For Human Genetics Tuebingen Variant Classification Criteria Version 2. Collection method: clinical testing. Allele origin: germline. Affected: yes. Observed: 1 variant allele.
Comment: IFIH1: BP4, BP7

Labcorp Genetics (formerly Invitae), Labcorp
Classification: Likely benign for Aicardi-Goutieres syndrome 7; Singleton-Merten syndrome 1. Last evaluated: 2025-03-25. Review status: criteria provided, single submitter. Criteria: Invitae Variant Classification Sherloc (09022015). Collection method: clinical testing. Allele origin: germline.